The following is an entry in ClinVar:

NM_000632.4(ITGAM):c.3252_3257dup (p.Gly1086_Ala1087insGlnGly)

Gene: ITGAM (integrin subunit alpha M; plus strand). Cytogenetic location: 16p11.2.
Variant type: Duplication.
Coding change: c.3252_3257dup on transcript NM_000632.4 (MANE Select); coding-DNA positions 3252 to 3257, 6 bases duplicated (ACAGGG; older notation c.3252_3257dupACAGGG).
Protein change: p.Gly1086_Ala1087insGlnGly.
Molecular consequence: inframe insertion.
Genome position (GRCh38, 1-based): chr16:31,330,581-31,330,586, ACAGGG duplicated; duplicating any 6 consecutive bases within chr16:31,330,578-31,330,586 gives the same sequence; the c. name uses the placement nearest the transcript's 3' end. VCF-style (leftmost placement, unchanged base first): chr16-31330577-C-CGGGACA. GRCh37 (hg19) VCF-style: chr16-31341898-C-CGGGACA.
Other names: c.3255_3260dup, p.Gly1087_Ala1088insGlnGly (NM_001145808.2).
Identifiers: ClinVar variation 2788740 (VCV002788740.3), dbSNP rs2544508983, ClinGen allele CA2632856508.

ClinVar aggregate classification (germline): Uncertain significance (1 of 4 stars; one submission).

Submission:

Labcorp Genetics (formerly Invitae), Labcorp
Classification: Uncertain significance. Last evaluated: 2023-09-06. Review status: criteria provided, single submitter. Criteria: Invitae Variant Classification Sherloc (09022015). Collection method: clinical testing. Allele origin: germline.
Comment: This variant, c.3252_3257dup, results in the insertion of 2 amino acid(s) of the ITGAM protein (p.Gln1085_Gly1086dup), but otherwise preserves the integrity of the reading frame. This variant is not present in population databases (gnomAD no frequency). This variant has not been reported in the literature in individuals affected with ITGAM-related conditions. In summary, the available evidence is currently insufficient to determine the role of this variant in disease. Therefore, it has been classified as a Variant of Uncertain Significance.